The following is an entry in ClinVar:

NM_003718.5(CDK13):c.213CGC[7] (p.Ala76_Ser77insAlaAlaAla)

Genes: CDK13 (cyclin dependent kinase 13; plus strand), LOC129998292 (ATAC-STARR-seq lymphoblastoid silent region 18115; plus strand). Cytogenetic location: 7p14.1.
Variant type: Microsatellite.
Coding change: c.213CGC[7] on transcript NM_003718.5 (MANE Select); seven copies in a row of the 3-base unit CGC starting at c.213; the reference has four copies in a row; three copies, 9 bases duplicated.
Protein change: p.Ala76_Ser77insAlaAlaAla.
Molecular consequence: inframe indel (on NM_031267.4).
Genome position (GRCh38, 1-based): chr7:39,950,857-39,950,865, CGCCGCCGC duplicated; duplicating any 9 consecutive bases within chr7:39,950,852-39,950,865 gives the same sequence; the position shown is the placement nearest the transcript's 3' end. VCF-style (leftmost placement, unchanged base first): chr7-39950851-A-AGCCGCCGCC. GRCh37 (hg19) VCF-style: chr7-39990450-A-AGCCGCCGCC.
Other names: c.213_215CGC[7], p.Ala76_Ser77insAlaAlaAla (NM_031267.4).
Identifiers: ClinVar variation 4074542 (VCV004074542.1).

ClinVar aggregate classification (germline): Uncertain significance (1 of 4 stars; one submission).

Submission:

GeneDx
Classification: Uncertain significance. Last evaluated: 2025-02-07. Review status: criteria provided, single submitter. Criteria: GeneDx Variant Classification Process June 2021. Collection method: clinical testing. Allele origin: germline. Affected: yes.
Comment: In-frame duplication of 3 amino acid(s) in a non-repeat region; Not observed at significant frequency in large population cohorts (gnomAD); Has not been previously published as pathogenic or benign to our knowledge